The following is an entry in ClinVar:

ClinVar aggregate classification (germline): Likely benign. Review status: criteria provided, multiple submitters, no conflicts (2 of 4 stars). 2 submissions from 2 submitters: Likely benign (2). Last evaluated 2026-05-01.

Allele frequency attached by ClinVar (database versions not stated): 1000 Genomes Project 30x 0.00016.
gnomAD v4.1: 109 of 1,511,612 alleles (0.0072%); highest among the groups gnomAD compares: Middle Eastern, 0.047%; no homozygotes.

Submissions (2):

CeGaT Center for Human Genetics Tuebingen
Classification: Likely benign. Last evaluated: 2026-05-01. Review status: criteria provided, single submitter. Criteria: CeGaT Center For Human Genetics Tuebingen Variant Classification Criteria Version 2. Collection method: clinical testing. Allele origin: germline. Affected: yes. Observed: 1 variant allele.
Comment: DLL3: BP4, BP7

Labcorp Genetics (formerly Invitae), Labcorp
Classification: Likely benign. Last evaluated: 2024-11-14. Review status: criteria provided, single submitter. Criteria: Invitae Variant Classification Sherloc (09022015). Collection method: clinical testing. Allele origin: germline.

NM_203486.3(DLL3):c.615C>G (p.Arg205=)

Genes: DLL3 (delta like canonical Notch ligand 3; plus strand), LOC130064417 (ATAC-STARR-seq lymphoblastoid silent region 10608; plus strand). Cytogenetic location: 19q13.2.
Variant type: single nucleotide variant.
Coding change: c.615C>G on transcript NM_203486.3 (MANE Select); coding-DNA position 615, C replaced by G.
Protein change: p.Arg205=; no amino-acid change (arginine 205 retained).
Molecular consequence: synonymous variant.
Genome position (GRCh38, 1-based): chr19:39,503,020, C>G. VCF-style: chr19-39503020-C-G. GRCh37 (hg19) VCF-style: chr19-39993660-C-G.
Other names: c.615C>G, p.Arg205= (NM_016941.4).
Identifiers: ClinVar variation 1576807 (VCV001576807.10), dbSNP rs780088167, ClinGen allele CA9432218.